The following is an entry in ClinVar:

NM_006254.4(PRKCD):c.140A>G (p.Lys47Arg)

Gene: PRKCD (protein kinase C delta; plus strand). Cytogenetic location: 3p21.1.
Variant type: single nucleotide variant.
Coding change: c.140A>G on transcript NM_006254.4 (MANE Select); coding-DNA position 140, A replaced by G.
Protein change: p.Lys47Arg; replaces lysine 47 with arginine.
Molecular consequence: missense variant.
Genome position (GRCh38, 1-based): chr3:53,179,601, A>G. VCF-style: chr3-53179601-A-G. GRCh37 (hg19) VCF-style: chr3-53213617-A-G.
Other names: c.140A>G, p.Lys47Arg (NM_001316327.2, NM_001354679.2, NM_001354680.2 and 1 more transcripts); c.197A>G, p.Lys66Arg (NM_001354676.2); c.188A>G, p.Lys63Arg (NM_001354678.2); short protein forms K47R, K66R, K63R.
Identifiers: ClinVar variation 1397285 (VCV001397285.7), dbSNP rs1553666756, ClinGen allele CA353233052.

ClinVar aggregate classification (germline): Uncertain significance (1 of 4 stars; one submission).

Conditions:
Autoimmune lymphoproliferative syndrome, type III caused by mutation in PRKCD. Identifiers: Orphanet 3261, Orphanet 664711, MedGen C3809928, MONDO:8000024, OMIM 615559.

Allele frequency attached by ClinVar (database versions not stated): gnomAD exomes below 0.00001; TOPMed below 0.00001; gnomAD 0.00001.
gnomAD v4.1: 3 of 1,614,104 alleles (0.00019%); highest among the groups gnomAD compares: East Asian, 0.0022%; no homozygotes.

Submission:

Labcorp Genetics (formerly Invitae), Labcorp
Classification: Uncertain significance for Autoimmune lymphoproliferative syndrome, type III caused by mutation in PRKCD. Last evaluated: 2022-08-23. Review status: criteria provided, single submitter. Criteria: Invitae Variant Classification Sherloc (09022015). Collection method: clinical testing. Allele origin: germline.
Comment: Algorithms developed to predict the effect of missense changes on protein structure and function (SIFT, PolyPhen-2, Align-GVGD) all suggest that this variant is likely to be tolerated. ClinVar contains an entry for this variant (Variation ID: 1397285). This variant has not been reported in the literature in individuals affected with PRKCD-related conditions. This variant is present in population databases (no rsID available, gnomAD 0.006%). This sequence change replaces lysine, which is basic and polar, with arginine, which is basic and polar, at codon 47 of the PRKCD protein (p.Lys47Arg). In summary, the available evidence is currently insufficient to determine the role of this variant in disease. Therefore, it has been classified as a Variant of Uncertain Significance.